The following is an entry in ClinVar:

ClinVar aggregate classification (germline): Benign/Likely benign. Review status: criteria provided, multiple submitters, no conflicts (2 of 4 stars). 27 submissions from 20 submitters: Benign (17); Likely benign (3). 7 of the submissions do not count toward it. Last evaluated 2026-02-03.

Conditions:
TTN-related disorder. Also called: TTN-related disorders; TTN-related condition; TTN-related disease.
Cardiovascular phenotype. Identifiers: MedGen CN230736.
Dilated cardiomyopathy 1G (CMD1G). Identifiers: Orphanet 154, MedGen C1858763, MONDO:0011400, OMIM 604145.
Autosomal recessive limb-girdle muscular dystrophy type 2J (LGMDR10). Also called: MUSCULAR DYSTROPHY, LIMB-GIRDLE, AUTOSOMAL RECESSIVE 10; Limb-girdle muscular dystrophy, type 2J. Identifiers: Orphanet 140922, MedGen C1837342, MONDO:0012127, OMIM 608807.
Cardiomyopathy (CMYO). Also called: Cardiomyopathies. Identifiers: Orphanet 167848, MedGen C0878544, MONDO:0004994, HP:0001638. Inheritance: Various modes of inheritance.
Early-onset myopathy with fatal cardiomyopathy (CMYO5). Also called: CONGENITAL MYOPATHY 5 WITH CARDIOMYOPATHY; Salih Myopathy. Identifiers: Orphanet 289377, MedGen C2673677, MONDO:0012714, OMIM 611705. Disease mechanism: loss of function.
Myopathy, myofibrillar, 9, with early respiratory failure (MFM9). Also called: Myopathy, distal, with early respiratory failure, autosomal dominant; Hereditary myopathy with early respiratory failure; MYOPATHY, PROXIMAL, WITH EARLY RESPIRATORY MUSCLE INVOLVEMENT; EDSTROM MYOPATHY. Identifiers: Orphanet 178464, Orphanet 34521, MedGen C1863599, MONDO:0011362, OMIM 603689.
Tibial muscular dystrophy (TMD). Also called: Udd Distal Myopathy – Tibial Muscular Dystrophy; Tibial muscular dystrophy, tardive; UDD MYOPATHY. Identifiers: Orphanet 609, MedGen C1838244, MONDO:0010870, OMIM 600334.

Allele frequency attached by ClinVar (database versions not stated): gnomAD 0.01503 and 0.01410; gnomAD exomes 0.00146 and 0.00347; ExAC 0.00470; 1000 Genomes Project 0.01597; ESP Exome Variant Server 0.01526; TOPMed 0.01623; 1000 Genomes Project 30x 0.01733.
gnomAD v4.1: 4,353 of 1,611,184 alleles (0.27%); highest among the groups gnomAD compares: African/African-American, 5.1%; 106 homozygotes.

Submissions (27):

Labcorp Genetics (formerly Invitae), Labcorp
Classification: Benign for Dilated cardiomyopathy 1G; Autosomal recessive limb-girdle muscular dystrophy type 2J. Last evaluated: 2026-02-03. Review status: criteria provided, single submitter. Criteria: Invitae Variant Classification Sherloc (09022015). Collection method: clinical testing. Allele origin: germline.

ARUP Laboratories, Molecular Genetics and Genomics, ARUP Laboratories
Classification: Benign. Last evaluated: 2025-07-08. Review status: criteria provided, single submitter. Criteria: ARUP Molecular Germline Variant Investigation Process 2024. Collection method: clinical testing. Allele origin: germline.

Molecular Diagnostic Laboratory for Inherited Cardiovascular Disease, Montreal Heart Institute
Classification: Benign. Last evaluated: 2025-04-09. Review status: criteria provided, single submitter. Criteria: ACMG Guidelines, 2015. Collection method: clinical testing. Allele origin: germline. Affected: no.

CHEO Genetics Diagnostic Laboratory, Children's Hospital of Eastern Ontario
Classification: Benign for Cardiomyopathy. Last evaluated: 2023-05-16. Review status: criteria provided, single submitter. Criteria: ACMG Guidelines, 2015. Collection method: clinical testing. Allele origin: germline.

Genome-Nilou Lab
Classification: Benign for Autosomal recessive limb-girdle muscular dystrophy type 2J. Last evaluated: 2021-09-10. Review status: criteria provided, single submitter. Criteria: ACMG Guidelines, 2015. Collection method: clinical testing. Allele origin: germline. Affected: no.

Genome-Nilou Lab
Classification: Benign for Myopathy, myofibrillar, 9, with early respiratory failure. Last evaluated: 2021-09-10. Review status: criteria provided, single submitter. Criteria: ACMG Guidelines, 2015. Collection method: clinical testing. Allele origin: germline. Affected: no.

Genome-Nilou Lab
Classification: Benign for Early-onset myopathy with fatal cardiomyopathy. Last evaluated: 2021-09-10. Review status: criteria provided, single submitter. Criteria: ACMG Guidelines, 2015. Collection method: clinical testing. Allele origin: germline. Affected: no.

Genome-Nilou Lab
Classification: Benign for Tibial muscular dystrophy. Last evaluated: 2021-09-10. Review status: criteria provided, single submitter. Criteria: ACMG Guidelines, 2015. Collection method: clinical testing. Allele origin: germline. Affected: no.

Women's Health and Genetics/Laboratory Corporation of America, LabCorp
Classification: Likely benign. Last evaluated: 2020-10-17. Review status: criteria provided, single submitter. Criteria: LabCorp Variant Classification Summary - May 2015. Collection method: clinical testing. Allele origin: germline.

Mayo Clinic Laboratories, Mayo Clinic
Classification: Benign. Last evaluated: 2018-02-07. Review status: criteria provided, single submitter. Criteria: ACMG Guidelines, 2015. Collection method: clinical testing. Allele origin: germline. Observed: 33 variant alleles.

Illumina Laboratory Services, Illumina
Classification: Benign for Myopathy, myofibrillar, 9, with early respiratory failure. Last evaluated: 2018-01-13. Review status: criteria provided, single submitter. Criteria: ICSL Variant Classification Criteria 13 December 2019. Collection method: clinical testing. Allele origin: germline.
Comment: This variant was observed in the ICSL laboratory as part of a predisposition screen in an ostensibly healthy population. It had not been previously curated by ICSL or reported in the Human Gene Mutation Database (HGMD: prior to June 1st, 2018), and was therefore a candidate for classification through an automated scoring system. Utilizing variant allele frequency, disease prevalence and penetrance estimates, and inheritance mode, an automated score was calculated to assess if this variant is too frequent to cause the disease. Based on the score and internal cut-off values, a variant classified as benign is not then subjected to further curation. The score for this variant resulted in a classification of benign for this disease.

Illumina Laboratory Services, Illumina
Classification: Likely benign for Dilated cardiomyopathy 1G. Last evaluated: 2018-01-13. Review status: criteria provided, single submitter. Criteria: ICSL Variant Classification Criteria 13 December 2019. Collection method: clinical testing. Allele origin: germline.
Comment: This variant was observed in the ICSL laboratory as part of a predisposition screen in an ostensibly healthy population. It had not been previously curated by ICSL or reported in the Human Gene Mutation Database (HGMD: prior to June 1st, 2018), and was therefore a candidate for classification through an automated scoring system. Utilizing variant allele frequency, disease prevalence and penetrance estimates, and inheritance mode, an automated score was calculated to assess if this variant is too frequent to cause the disease. Based on the score and internal cut-off values, a variant classified as likely benign is not then subjected to further curation. The score for this variant resulted in a classification of likely benign for this disease.

Illumina Laboratory Services, Illumina
Classification: Benign for Tibial muscular dystrophy. Last evaluated: 2018-01-13. Review status: criteria provided, single submitter. Criteria: ICSL Variant Classification Criteria 13 December 2019. Collection method: clinical testing. Allele origin: germline.
Comment: the same text as in the submission from Illumina Laboratory Services, Illumina above.

Illumina Laboratory Services, Illumina
Classification: Benign for Autosomal recessive limb-girdle muscular dystrophy type 2J. Last evaluated: 2018-01-13. Review status: criteria provided, single submitter. Criteria: ICSL Variant Classification Criteria 13 December 2019. Collection method: clinical testing. Allele origin: germline.
Comment: the same text as in the submission from Illumina Laboratory Services, Illumina above.

Illumina Laboratory Services, Illumina
Classification: Benign for Early-onset myopathy with fatal cardiomyopathy. Last evaluated: 2018-01-13. Review status: criteria provided, single submitter. Criteria: ICSL Variant Classification Criteria 13 December 2019. Collection method: clinical testing. Allele origin: germline.
Comment: the same text as in the submission from Illumina Laboratory Services, Illumina above.

Ambry Genetics
Classification: Benign for Cardiovascular phenotype. Last evaluated: 2015-07-08. Review status: criteria provided, single submitter. Criteria: Ambry Variant Classification Scheme 2023. Collection method: clinical testing. Allele origin: germline.

Biesecker Lab/Clinical Genomics Section, National Institutes of Health
Classification: Benign. Last evaluated: 2013-06-24. Review status: criteria provided, single submitter. Criteria: Ng et al. (Circ Cardiovasc Genet. 2013). Collection method: research. Allele origin: unknown. Observed: 5 variant alleles. Study: ClinSeq.
Comment: The study set was not selected for affection status in relation to any cancer. Pathogenicity categories were based on literature curation. See Pubmed ID:23861362 for details.

Medical sequencing

GeneDx
Classification: Benign. Last evaluated: 2012-10-26. Review status: criteria provided, single submitter. Criteria: GeneDx Variant Classification (06012015). Collection method: clinical testing. Allele origin: germline. Affected: yes.
Comment: This variant is considered likely benign or benign based on one or more of the following criteria: it is a conservative change, it occurs at a poorly conserved position in the protein, it is predicted to be benign by multiple in silico algorithms, and/or has population frequency not consistent with disease.

Laboratory for Molecular Medicine, Mass General Brigham Personalized Medicine
Classification: Benign. Last evaluated: 2012-04-24. Review status: criteria provided, single submitter. Criteria: LMM Criteria. Collection method: clinical testing. Allele origin: germline. Observed: 30 variant alleles.
Comment: Gln19347Lys in exon 262 of TTN: This variant is not expected to have clinical si gnificance because it has been identified in 4.5% (148/3298) of African American chromosomes from a broad population by the NHLBI Exome Sequencing Project.

Breakthrough Genomics
Classification: Likely benign. Review status: criteria provided, single submitter. Criteria: ACMG Guidelines, 2015. Collection method: not provided. Allele origin: germline. Inheritance: Autosomal recessive inheritance. Affected: yes.

PreventionGenetics, part of Exact Sciences
Classification: Benign for TTN-related condition. Last evaluated: 2019-05-20. Review status: no assertion criteria provided. Collection method: clinical testing. Allele origin: germline. Not counted in ClinVar's aggregate classification.
Comment: This variant is classified as benign based on ACMG/AMP sequence variant interpretation guidelines (Richards et al. 2015 PMID: 25741868, with internal and published modifications).

Clinical Genetics DNA and cytogenetics Diagnostics Lab, Erasmus MC, Erasmus Medical Center
Classification: Benign. Review status: no assertion criteria provided. Collection method: clinical testing. Allele origin: germline. Affected: yes. Study: VKGL Data-share Consensus. Not counted in ClinVar's aggregate classification.

Clinical Genetics, Academic Medical Center
Classification: Benign. Review status: no assertion criteria provided. Collection method: clinical testing. Allele origin: germline. Affected: yes. Study: VKGL Data-share Consensus. Not counted in ClinVar's aggregate classification.

Diagnostic Laboratory, Department of Genetics, University Medical Center Groningen
Classification: Likely benign. Review status: no assertion criteria provided. Collection method: clinical testing. Allele origin: germline. Affected: yes. Study: VKGL Data-share Consensus. Not counted in ClinVar's aggregate classification.

Genome Diagnostics Laboratory, University Medical Center Utrecht
Classification: Likely benign. Review status: no assertion criteria provided. Collection method: clinical testing. Allele origin: germline. Affected: yes. Study: VKGL Data-share Consensus. Not counted in ClinVar's aggregate classification.

Joint Genome Diagnostic Labs from Nijmegen and Maastricht, Radboudumc and MUMC+
Classification: Benign. Review status: no assertion criteria provided. Collection method: clinical testing. Allele origin: germline. Affected: yes. Study: VKGL Data-share Consensus. Not counted in ClinVar's aggregate classification.

Laboratory of Diagnostic Genome Analysis, Leiden University Medical Center (LUMC)
Classification: Likely benign. Review status: no assertion criteria provided. Collection method: clinical testing. Allele origin: germline. Affected: yes. Study: VKGL Data-share Consensus. Not counted in ClinVar's aggregate classification.

NM_001267550.2(TTN):c.65743C>A (p.Gln21915Lys)

Genes: TTN (titin; minus strand), TTN-AS1 (TTN antisense RNA 1; plus strand). Cytogenetic location: 2q31.2.
Variant type: single nucleotide variant.
Coding change: c.65743C>A on transcript NM_001267550.2 (MANE Select); coding-DNA position 65743, C replaced by A.
Protein change: p.Gln21915Lys; replaces glutamine 21915 with lysine.
Molecular consequence: missense variant. On other transcripts: non-coding transcript variant (1).
Genome position (GRCh38, 1-based): chr2:178,583,060, G>T on the plus strand (C>A on the coding strand, the complement: TTN is on the minus strand). VCF-style: chr2-178583060-G-T. GRCh37 (hg19) VCF-style: chr2-179447787-G-T.
Other names: p.Q20274K:CAG>AAG; c.60820C>A, p.Gln20274Lys (NM_001256850.1); c.38548C>A, p.Gln12850Lys (NM_003319.4); c.58039C>A, p.Gln19347Lys (NM_133378.4); c.38923C>A, p.Gln12975Lys (NM_133432.3); c.39124C>A, p.Gln13042Lys (NM_133437.4); short protein forms Q21915K, Q19347K, Q20274K, Q12850K, Q12975K, Q13042K.
Identifiers: ClinVar variation 47228 (VCV000047228.55), dbSNP rs62618736, ClinGen allele CA283619.